The following is an entry in ClinVar:

NM_000548.5(TSC2):c.1362-3C>T

Gene: TSC2 (TSC complex subunit 2; plus strand). Cytogenetic location: 16p13.3.
Variant type: single nucleotide variant.
Coding change: c.1362-3C>T on transcript NM_000548.5 (MANE Select); 3 bases into the intron before coding-DNA position 1362, C replaced by T.
Molecular consequence: intron variant.
Genome position (GRCh38, 1-based): chr16:2,062,969, C>T. VCF-style: chr16-2062969-C-T. GRCh37 (hg19) VCF-style: chr16-2112970-C-T.
Other names: c.18-3C>T (NM_001406693.1, NM_001406689.1, NM_001406690.1 and 6 more transcripts); c.1452-3C>T (NM_001406667.1, NM_001406668.1); c.762-3C>T (NM_001406680.1, NM_001406683.1, NM_001406687.1 and 6 more transcripts); c.1362-3C>T (NM_000548.3, NM_001114382.3, NM_001406663.1 and 7 more transcripts); c.-160+369C>T (NM_001406698.1); c.1350-3C>T (NM_001406671.1, NM_001406673.1); c.900-3C>T (NM_001406681.1); c.1251-3C>T (NM_001406670.1, NM_001318827.2, NM_001406678.1); and 3 more.
Identifiers: ClinVar variation 3641080 (VCV003641080.3).

ClinVar aggregate classification (germline): Uncertain significance. Review status: criteria provided, multiple submitters, no conflicts (2 of 4 stars). 2 submissions from 2 submitters: Uncertain significance (2). Last evaluated 2025-09-12.

Conditions:
Hereditary cancer-predisposing syndrome. Also called: Hereditary neoplastic syndrome; Hereditary Cancer Syndrome; Neoplastic Syndromes, Hereditary; Tumor predisposition. Identifiers: Orphanet 140162, MedGen C0027672, MeSH D009386, MONDO:0015356.
Tuberous sclerosis 2 (TSC2). Identifiers: Orphanet 805, MedGen C1860707, MONDO:0013199, OMIM 613254.

Submissions (2):

Labcorp Genetics (formerly Invitae), Labcorp
Classification: Uncertain significance for Tuberous sclerosis 2. Last evaluated: 2025-09-12. Review status: criteria provided, single submitter. Criteria: Invitae Variant Classification Sherloc (09022015). Collection method: clinical testing. Allele origin: germline.
Comment: This sequence change falls in intron 13 of the TSC2 gene. It does not directly change the encoded amino acid sequence of the TSC2 protein. It affects a nucleotide within the consensus splice site. This variant is not present in population databases (gnomAD no frequency). This variant has not been reported in the literature in individuals affected with TSC2-related conditions. ClinVar contains an entry for this variant (Variation ID: 3641080). Variants that disrupt the consensus splice site are a relatively common cause of aberrant splicing (PMID: 17576681, 9536098). Algorithms developed to predict the effect of sequence changes on RNA splicing suggest that this variant is not likely to affect RNA splicing. In summary, the available evidence is currently insufficient to determine the role of this variant in disease. Therefore, it has been classified as a Variant of Uncertain Significance.

Ambry Genetics
Classification: Uncertain significance for Hereditary cancer-predisposing syndrome. Last evaluated: 2025-08-04. Review status: criteria provided, single submitter. Criteria: Ambry Variant Classification Scheme 2023. Collection method: clinical testing. Allele origin: germline.
Comment: The c.1362-3C>T intronic variant results from a C to T substitution 3 nucleotides upstream from coding exon 13 in the TSC2 gene. This nucleotide position is well conserved in available vertebrate species. In silico splice site analysis predicts that this alteration will not have any significant effect on splicing. Based on the available evidence, the clinical significance of this variant remains unclear.

Literature cited by the submitters: PubMed 17576681 (cited by Labcorp Genetics (formerly Invitae), Labcorp); PubMed 9536098 (cited by Labcorp Genetics (formerly Invitae), Labcorp).